The following is an entry in ClinVar:

NM_000038.6(APC):c.4591_4592dup (p.Asn1531fs)

Gene: APC (APC regulator of Wnt signaling pathway; plus strand). Cytogenetic location: 5q22.2.
Variant type: Duplication.
Coding change: c.4591_4592dup on transcript NM_000038.6 (MANE Select); coding-DNA positions 4591 to 4592, 2 bases duplicated (AA; older notation c.4591_4592dupAA).
Protein change: p.Asn1531fs; shifts the reading frame from asparagine 1531.
Molecular consequence: frameshift variant.
Genome position (GRCh38, 1-based): chr5:112,840,185-112,840,186, AA duplicated; duplicating any 2 consecutive bases within chr5:112,840,183-112,840,186 gives the same sequence; the c. name uses the placement nearest the transcript's 3' end. VCF-style (leftmost placement, unchanged base first): chr5-112840182-G-GAA. GRCh37 (hg19) VCF-style: chr5-112175879-G-GAA.
Other names: c.4591_4592dup, p.Asn1531fs (NM_001127510.3, NM_001354895.2); c.4537_4538dup, p.Asn1513fs (NM_001127511.3); c.4645_4646dup, p.Asn1549fs (NM_001354896.2); c.4621_4622dup, p.Asn1541fs (NM_001354897.2); c.4516_4517dup, p.Asn1506fs (NM_001354898.2); c.4507_4508dup, p.Asn1503fs (NM_001354899.2); c.4468_4469dup, p.Asn1490fs (NM_001354900.2); c.4414_4415dup, p.Asn1472fs (NM_001354901.2); and 5 more; short protein forms N1248fs, N1371fs, N1405fs, N1430fs, N1440fs, N1472fs, N1490fs, N1503fs.
Identifiers: ClinVar variation 1072102 (VCV001072102.10), dbSNP rs1765716533, ClinGen allele CA2499217488.

ClinVar aggregate classification (germline): Pathogenic (1 of 4 stars; one submission).

Conditions:
Familial adenomatous polyposis 1 (FAP1). Also called: POLYPOSIS, ADENOMATOUS INTESTINAL; FAMILIAL ADENOMATOUS POLYPOSIS 1, ATTENUATED. Identifiers: MedGen C2713442, MONDO:0021056, OMIM 175100. Disease mechanism: loss of function.

Submission:

Labcorp Genetics (formerly Invitae), Labcorp
Classification: Pathogenic for Familial adenomatous polyposis 1. Last evaluated: 2015-01-02. Review status: criteria provided, single submitter. Criteria: Invitae Variant Classification Sherloc (09022015). Collection method: clinical testing. Allele origin: germline.
Comment: For these reasons, this sequence change has been classified as Pathogenic. Truncating sequence changes in APC are known to be pathogenic. This particular truncation has been reported in the literature in a patient affected with FAP (PMID: 23159591). This sequence change inserts 2 nucleotides in exon 16 of the APC mRNA (c.4591_4592dupAA), causing a frameshift at codon 1531. This creates a premature translational stop signal in the last exon of the APC mRNA (p.Asn1531Lysfs*35). While this is not anticipated to result in nonsense mediated decay, it is expected to result in a truncated APC protein lacking 1308 C-terminal amino acid residues.

Literature cited by the submitters: PubMed 23159591.